The following is an entry in ClinVar:

NM_005529.7(HSPG2):c.1285G>A (p.Val429Met)

Gene: HSPG2 (heparan sulfate proteoglycan 2; minus strand). Cytogenetic location: 1p36.12.
Variant type: single nucleotide variant.
Coding change: c.1285G>A on transcript NM_005529.7 (MANE Select); coding-DNA position 1285, G replaced by A.
Protein change: p.Val429Met; replaces valine 429 with methionine.
Molecular consequence: missense variant.
Genome position (GRCh38, 1-based): chr1:21,885,083, C>T on the plus strand (G>A on the coding strand, the complement: HSPG2 is on the minus strand). VCF-style: chr1-21885083-C-T. GRCh37 (hg19) VCF-style: chr1-22211576-C-T.
Other names: c.1285G>A, p.Val429Met (NM_001291860.2); short protein forms V429M.
Identifiers: ClinVar variation 2860730 (VCV002860730.3), dbSNP rs1045847955, ClinGen allele CA19158877.

ClinVar aggregate classification (germline): Uncertain significance (1 of 4 stars; one submission).

Allele frequency attached by ClinVar (database versions not stated): TOPMed below 0.00001; gnomAD exomes 0.00001.
gnomAD v4.1: 19 of 1,613,684 alleles (0.0012%); highest among the groups gnomAD compares: Admixed American, 0.0017%; no homozygotes.

Submission:

Labcorp Genetics (formerly Invitae), Labcorp
Classification: Uncertain significance. Last evaluated: 2024-01-23. Review status: criteria provided, single submitter. Criteria: Invitae Variant Classification Sherloc (09022015). Collection method: clinical testing. Allele origin: germline.
Comment: This sequence change replaces valine, which is neutral and non-polar, with methionine, which is neutral and non-polar, at codon 429 of the HSPG2 protein (p.Val429Met). This variant is present in population databases (no rsID available, gnomAD 0.003%). This variant has not been reported in the literature in individuals affected with HSPG2-related conditions. An algorithm developed to predict the effect of missense changes on protein structure and function (PolyPhen-2) suggests that this variant is likely to be disruptive. In summary, the available evidence is currently insufficient to determine the role of this variant in disease. Therefore, it has been classified as a Variant of Uncertain Significance.